The following is an entry in ClinVar:

NM_201596.3(CACNB2):c.909G>A (p.Ala303=)

Gene: CACNB2 (calcium voltage-gated channel auxiliary subunit beta 2; plus strand). Cytogenetic location: 10p12.31.
Variant type: single nucleotide variant.
Coding change: c.909G>A on transcript NM_201596.3 (MANE Select); coding-DNA position 909, G replaced by A.
Protein change: p.Ala303=; no amino-acid change (alanine 303 retained).
Molecular consequence: synonymous variant.
Genome position (GRCh38, 1-based): chr10:18,518,933, G>A. VCF-style: chr10-18518933-G-A. GRCh37 (hg19) VCF-style: chr10-18807862-G-A.
Other names: c.744G>A, p.Ala248= (NM_000724.4); c.711G>A, p.Ala237= (NM_001167945.2); c.630G>A, p.Ala210= (NM_001330060.2); c.765G>A, p.Ala255= (NM_201570.3); c.825G>A, p.Ala275= (NM_201571.4); c.753G>A, p.Ala251= (NM_201572.4); c.747G>A, p.Ala249= (NM_201590.3); c.795G>A, p.Ala265= (NM_201593.3); and 1 more.
Identifiers: ClinVar variation 299558 (VCV000299558.26), dbSNP rs144509796, ClinGen allele CA5429822.

ClinVar aggregate classification (germline): Likely benign. Review status: criteria provided, multiple submitters, no conflicts (2 of 4 stars). 5 submissions from 5 submitters: Likely benign (5). Last evaluated 2026-01-10.

Conditions:
CACNB2-related disorder. Also called: CACNB2-related condition.
Cardiovascular phenotype. Identifiers: MedGen CN230736.
Brugada syndrome 4 (BRGDA4). Identifiers: Orphanet 130, MedGen C2678477, MONDO:0012743, OMIM 611876.

Allele frequency attached by ClinVar (database versions not stated): ExAC 0.00001; gnomAD 0.00001; gnomAD exomes 0.00003; TOPMed 0.00003; ESP Exome Variant Server 0.00008.
gnomAD v4.1: 41 of 1,613,684 alleles (0.0025%); highest among the groups gnomAD compares: Non-Finnish European, 0.0032%; no homozygotes.

Submissions (5):

Women's Health and Genetics/Laboratory Corporation of America, LabCorp
Classification: Likely benign. Last evaluated: 2026-01-10. Review status: criteria provided, single submitter. Criteria: LabCorp Variant Classification Summary - May 2015. Collection method: clinical testing. Allele origin: germline.

PreventionGenetics, part of Exact Sciences
Classification: Likely benign for CACNB2-related condition. Last evaluated: 2025-09-03. Review status: criteria provided, single submitter. Criteria: ACMG Guidelines, 2015. Collection method: clinical testing. Allele origin: germline.
Comment: This variant is classified as likely benign based on ACMG/AMP sequence variant interpretation guidelines (Richards et al. 2015 PMID: 25741868, with internal and published modifications).

Labcorp Genetics (formerly Invitae), Labcorp
Classification: Likely benign for Brugada syndrome 4. Last evaluated: 2023-08-09. Review status: criteria provided, single submitter. Criteria: Invitae Variant Classification Sherloc (09022015). Collection method: clinical testing. Allele origin: germline.

Fulgent Genetics
Classification: Likely benign for Brugada syndrome 4. Last evaluated: 2021-10-20. Review status: criteria provided, single submitter. Criteria: ACMG Guidelines, 2015. Collection method: clinical testing. Allele origin: unknown.

Ambry Genetics
Classification: Likely benign for Cardiovascular phenotype. Last evaluated: 2020-06-09. Review status: criteria provided, single submitter. Criteria: Ambry Variant Classification Scheme 2023. Collection method: clinical testing. Allele origin: germline.